The following is an entry in ClinVar:

NM_001042492.3(NF1):c.1721+23A>C

Gene: NF1 (neurofibromin 1; plus strand). Cytogenetic location: 17q11.2.
Variant type: single nucleotide variant.
Coding change: c.1721+23A>C on transcript NM_001042492.3 (MANE Select); 23 bases into the intron after coding-DNA position 1721, A replaced by C.
Molecular consequence: intron variant. On other transcripts: missense variant (1).
Genome position (GRCh38, 1-based): chr17:31,221,952, A>C. VCF-style: chr17-31221952-A-C. GRCh37 (hg19) VCF-style: chr17-29548970-A-C.
Other names: c.1721+23A>C (NM_000267.4); c.1744A>C, p.Asn582His (NM_001128147.3); short protein forms N582H.
Identifiers: ClinVar variation 5025562 (VCV005025562.1).

ClinVar aggregate classification (germline): Uncertain significance (1 of 4 stars; one submission).

Conditions:
Cardiovascular phenotype. Identifiers: MedGen CN230736.
Hereditary cancer-predisposing syndrome. Also called: Neoplastic Syndromes, Hereditary; Tumor predisposition; Hereditary neoplastic syndrome; Hereditary Cancer Syndrome. Identifiers: Orphanet 140162, MedGen C0027672, MeSH D009386, MONDO:0015356.

gnomAD v4.1: 2 of 1,570,028 alleles (0.00013%); highest among the groups gnomAD compares: Admixed American, 0.0036%; no homozygotes.

Submission:

Ambry Genetics
Classification: Uncertain significance for Cardiovascular phenotype; Hereditary cancer-predisposing syndrome. Last evaluated: 2026-07-07. Review status: criteria provided, single submitter. Criteria: Ambry Variant Classification Scheme 2023. Collection method: clinical testing. Allele origin: germline.
Comment: The p.N582H variant (also known as c.1744A>C), located in coding exon 15 of the NF1 gene, results from an A to C substitution at nucleotide position 1744. The asparagine at codon 582 is replaced by histidine, an amino acid with similar properties. This amino acid position is conserved. In addition, this alteration is predicted to be tolerated by in silico analysis. Based on the available evidence, the clinical significance of this variant remains unclear.